The following is an entry in ClinVar:

NM_006017.3(PROM1):c.2453A>G (p.Tyr818Cys)

Gene: PROM1 (prominin 1; minus strand). Cytogenetic location: 4p15.32.
Variant type: single nucleotide variant.
Coding change: c.2453A>G on transcript NM_006017.3 (MANE Select); coding-DNA position 2453, A replaced by G.
Protein change: p.Tyr818Cys; replaces tyrosine 818 with cysteine.
Molecular consequence: missense variant.
Genome position (GRCh38, 1-based): chr4:15,980,458, T>C on the plus strand (A>G on the coding strand, the complement: PROM1 is on the minus strand). VCF-style: chr4-15980458-T-C. GRCh37 (hg19) VCF-style: chr4-15982081-T-C.
Other names: c.2426A>G, p.Tyr809Cys (NM_001145848.2, NM_001145851.2, NM_001145852.2 and 4 more transcripts); c.2453A>G, p.Tyr818Cys (NM_001145849.2, NM_001145850.2); short protein forms Y818C, Y809C.
Identifiers: ClinVar variation 2787971 (VCV002787971.3), dbSNP rs1717530316, ClinGen allele CA356426526.

ClinVar aggregate classification (germline): Uncertain significance (1 of 4 stars; one submission).

Allele frequency attached by ClinVar (database versions not stated): gnomAD exomes below 0.00001; TOPMed below 0.00001.
gnomAD v4.1: 2 of 1,556,286 alleles (0.00013%); highest among the groups gnomAD compares: Non-Finnish European, 0.00017%; no homozygotes.

Submission:

Labcorp Genetics (formerly Invitae), Labcorp
Classification: Uncertain significance. Last evaluated: 2023-12-13. Review status: criteria provided, single submitter. Criteria: Invitae Variant Classification Sherloc (09022015). Collection method: clinical testing. Allele origin: germline.
Comment: This sequence change replaces tyrosine, which is neutral and polar, with cysteine, which is neutral and slightly polar, at codon 818 of the PROM1 protein (p.Tyr818Cys). This variant is not present in population databases (gnomAD no frequency). This variant has not been reported in the literature in individuals affected with PROM1-related conditions. Advanced modeling of protein sequence and biophysical properties (such as structural, functional, and spatial information, amino acid conservation, physicochemical variation, residue mobility, and thermodynamic stability) performed at Invitae indicates that this missense variant is expected to disrupt PROM1 protein function with a positive predictive value of 80%. In summary, the available evidence is currently insufficient to determine the role of this variant in disease. Therefore, it has been classified as a Variant of Uncertain Significance.